The following is an entry in ClinVar:

NM_001039958.2(MESP2):c.840G>A (p.Trp280Ter)

Gene: MESP2 (mesoderm posterior bHLH transcription factor 2; plus strand). Cytogenetic location: 15q26.1.
Variant type: single nucleotide variant.
Coding change: c.840G>A on transcript NM_001039958.2 (MANE Select); coding-DNA position 840, G replaced by A.
Protein change: p.Trp280Ter; replaces tryptophan 280 with a stop codon.
Molecular consequence: nonsense.
Genome position (GRCh38, 1-based): chr15:89,777,197, G>A. VCF-style: chr15-89777197-G-A. GRCh37 (hg19) VCF-style: chr15-90320428-G-A.
Other names: short protein forms W280*.
Identifiers: ClinVar variation 2710072 (VCV002710072.3), dbSNP rs2505187482, ClinGen allele CA393774313.

ClinVar aggregate classification (germline): Pathogenic (1 of 4 stars; one submission).

Submission:

Labcorp Genetics (formerly Invitae), Labcorp
Classification: Pathogenic. Last evaluated: 2024-01-18. Review status: criteria provided, single submitter. Criteria: Invitae Variant Classification Sherloc (09022015). Collection method: clinical testing. Allele origin: germline.
Comment: This sequence change creates a premature translational stop signal (p.Trp280*) in the MESP2 gene. It is expected to result in an absent or disrupted protein product. Loss-of-function variants in MESP2 are known to be pathogenic (PMID: 9242490, 18485326). This variant is not present in population databases (gnomAD no frequency). This variant has not been reported in the literature in individuals affected with MESP2-related conditions. For these reasons, this variant has been classified as Pathogenic.

Literature cited by the submitters: PubMed 9242490; PubMed 18485326.